The following is an entry in ClinVar:

NM_001387777.1(TNS1):c.3008-5031C>T

Gene: TNS1 (tensin 1; minus strand). Cytogenetic location: 2q35.
Variant type: single nucleotide variant.
Coding change: c.3008-5031C>T on transcript NM_001387777.1 (MANE Select); 5031 bases into the intron before coding-DNA position 3008, C replaced by T.
Molecular consequence: intron variant.
Genome position (GRCh38, 1-based): chr2:217,841,242, G>A on the plus strand (C>T on the coding strand, the complement: TNS1 is on the minus strand). VCF-style: chr2-217841242-G-A. GRCh37 (hg19) VCF-style: chr2-218705965-G-A.
Other names: c.3071-5031C>T (NM_001438865.1); c.3008-5031C>T (NM_001438866.1); c.2633-5031C>T (NM_001308023.2, NM_022648.7, NM_001308022.2); c.2828-5031C>T (NM_001438867.1); c.1265-5031C>T (NM_001438868.1, NM_001438869.1).
Identifiers: ClinVar variation 4280792 (VCV004280792.7).

ClinVar aggregate classification (germline): Likely benign (1 of 4 stars; one submission).

gnomAD v4.1: 517 of 984,898 alleles (0.052%); highest among the groups gnomAD compares: Middle Eastern, 0.21%; 2 homozygotes.

Submission:

CeGaT Center for Human Genetics Tuebingen
Classification: Likely benign. Last evaluated: 2025-09-01. Review status: criteria provided, single submitter. Criteria: CeGaT Center For Human Genetics Tuebingen Variant Classification Criteria Version 2. Collection method: clinical testing. Allele origin: germline. Affected: yes. Observed: 1 variant allele.
Comment: TNS1: BP4, BP7